The following is an entry in ClinVar:

NM_000138.5(FBN1):c.4811del (p.Leu1604fs)

Gene: FBN1 (fibrillin 1; minus strand). Cytogenetic location: 15q21.1.
Variant type: Deletion.
Coding change: c.4811del on transcript NM_000138.5 (MANE Select); coding-DNA position 4811, one base deleted (T; older notation c.4811delT).
Protein change: p.Leu1604fs; shifts the reading frame from leucine 1604.
Molecular consequence: frameshift variant.
Genome position (GRCh38, 1-based): chr15:48,465,795, A deleted on the plus strand (T on the coding strand, the reverse complement: FBN1 is on the minus strand); the first of 2 consecutive A bases (chr15:48,465,795-48,465,796); deleting either gives the same sequence. VCF-style (leftmost placement, unchanged base first): chr15-48465794-CA-C. GRCh37 (hg19) VCF-style: chr15-48757991-CA-C.
Other names: c.4811del, p.Leu1604fs (NM_001406716.1); short protein forms L1604fs.
Identifiers: ClinVar variation 3757926 (VCV003757926.2).

ClinVar aggregate classification (germline): Pathogenic (1 of 4 stars; one submission).

Conditions:
Marfan syndrome (MFS). Also called: MARFAN SYNDROME, TYPE I; Marfan syndrome type 1; Marfan's syndrome; Marfan syndrome, classic; FBN1-Related Marfan Syndrome. Identifiers: Orphanet 284963, Orphanet 558, MedGen C0024796, MONDO:0007947, OMIM 154700.
Familial thoracic aortic aneurysm and aortic dissection (TAAD). Also called: Thoracic aortic aneurysms and dissections. Identifiers: Orphanet 91387, MedGen C4707243, MONDO:0019625.

Submission:

Labcorp Genetics (formerly Invitae), Labcorp
Classification: Pathogenic for Marfan syndrome; Familial thoracic aortic aneurysm and aortic dissection. Last evaluated: 2024-09-01. Review status: criteria provided, single submitter. Criteria: Invitae Variant Classification Sherloc (09022015). Collection method: clinical testing. Allele origin: germline.
Comment: This sequence change creates a premature translational stop signal (p.Leu1604Trpfs*36) in the FBN1 gene. It is expected to result in an absent or disrupted protein product. Loss-of-function variants in FBN1 are known to be pathogenic (PMID: 17657824, 19293843). This variant is not present in population databases (gnomAD no frequency). This variant has not been reported in the literature in individuals affected with FBN1-related conditions. For these reasons, this variant has been classified as Pathogenic.

Literature cited by the submitters: PubMed 17657824; PubMed 19293843.